The following is an entry in ClinVar:

NM_024312.5(GNPTAB):c.1987dup (p.Glu663fs)

Gene: GNPTAB (N-acetylglucosamine-1-phosphate transferase subunits alpha and beta; minus strand). Cytogenetic location: 12q23.2.
Variant type: Duplication.
Coding change: c.1987dup on transcript NM_024312.5 (MANE Select); coding-DNA position 1987, one base duplicated (G; older notation c.1987dupG).
Protein change: p.Glu663fs; shifts the reading frame from glutamic acid 663.
Molecular consequence: frameshift variant.
Genome position (GRCh38, 1-based): chr12:101,764,930, C duplicated on the plus strand (G on the coding strand, the reverse complement: GNPTAB is on the minus strand); the first of 2 consecutive C bases (chr12:101,764,930-101,764,931); duplicating either gives the same sequence. VCF-style (leftmost placement, unchanged base first): chr12-101764929-T-TC. GRCh37 (hg19) VCF-style: chr12-102158707-T-TC.
Other names: short protein forms E663fs.
Identifiers: ClinVar variation 5012263 (VCV005012263.1).

ClinVar aggregate classification (germline): Pathogenic (1 of 4 stars; one submission).

Conditions:
GNPTAB-mucolipidosis. Also called: UDP-N-acetylglucosamine-1-phosphotransferase subunit alpha/beta deficiency. Identifiers: MedGen CN322573, MONDO:0100122.

Submission:

Myriad Genetics, Inc.
Classification: Pathogenic for GNPTAB-mucolipidosis. Last evaluated: 2023-09-27. Review status: criteria provided, single submitter. Criteria: Myriad Autosomal Dominant, Autosomal Recessive and X-Linked Classification Criteria (2023). Collection method: clinical testing. Allele origin: unknown.
Comment: NM_024312.4(GNPTAB):c.1987dupG(E663Gfs*5) is expected to be pathogenic in the context of GNPTAB-related disorders. This variant is predicted to lead to an abnormal or absent protein product due to the creation of a premature termination codon in GNPTAB, a gene where loss-of-function variants are known to be pathogenic. Please note: this variant was assessed in the context of healthy population screening.